The following is an entry in ClinVar:

ClinVar aggregate classification (germline): Uncertain significance. Review status: criteria provided, multiple submitters, no conflicts (2 of 4 stars). 3 submissions from 3 submitters: Uncertain significance (3). Last evaluated 2024-05-28.

Conditions:
Inborn genetic diseases. Identifiers: MedGen C0950123, MeSH D030342.

Allele frequency attached by ClinVar (database versions not stated): ExAC 0.00001; gnomAD 0.00001; gnomAD exomes 0.00002; TOPMed 0.00003.
gnomAD v4.1: 55 of 1,613,976 alleles (0.0034%); highest among the groups gnomAD compares: Middle Eastern, 0.066%; no homozygotes.

Submissions (3):

Ambry Genetics
Classification: Uncertain significance for Inborn genetic diseases. Last evaluated: 2024-05-28. Review status: criteria provided, single submitter. Criteria: Ambry Variant Classification Scheme 2023. Collection method: clinical testing. Allele origin: germline.

Women's Health and Genetics/Laboratory Corporation of America, LabCorp
Classification: Uncertain significance. Last evaluated: 2024-01-29. Review status: criteria provided, single submitter. Criteria: LabCorp Variant Classification Summary - May 2015. Collection method: clinical testing. Allele origin: germline.
Comment: Variant summary: SRCAP c.4001C>T (p.Pro1334Leu) results in a non-conservative amino acid change in the encoded protein sequence. Four of five in-silico tools predict a damaging effect of the variant on protein function. The variant allele was found at a frequency of 2.4e-05 in 251468 control chromosomes (gnomAD). The available data on variant occurrences in the general population are insufficient to allow any conclusion about variant significance. To our knowledge, no occurrence of c.4001C>T in individuals affected with Floating-Harbor Syndrome and no experimental evidence demonstrating its impact on protein function have been reported. ClinVar contains an entry for this variant (Variation ID: 1374774). Based on the evidence outlined above, the variant was classified as uncertain significance.

Labcorp Genetics (formerly Invitae), Labcorp
Classification: Uncertain significance. Last evaluated: 2022-08-16. Review status: criteria provided, single submitter. Criteria: Invitae Variant Classification Sherloc (09022015). Collection method: clinical testing. Allele origin: germline.
Comment: In summary, the available evidence is currently insufficient to determine the role of this variant in disease. Therefore, it has been classified as a Variant of Uncertain Significance. Algorithms developed to predict the effect of missense changes on protein structure and function are either unavailable or do not agree on the potential impact of this missense change (SIFT: "Deleterious"; PolyPhen-2: "Possibly Damaging"; Align-GVGD: "Class C15"). ClinVar contains an entry for this variant (Variation ID: 1374774). This variant has not been reported in the literature in individuals affected with SRCAP-related conditions. This variant is present in population databases (rs560375220, gnomAD 0.02%). This sequence change replaces proline, which is neutral and non-polar, with leucine, which is neutral and non-polar, at codon 1334 of the SRCAP protein (p.Pro1334Leu).

NM_006662.3(SRCAP):c.4001C>T (p.Pro1334Leu)

Gene: SRCAP (Snf2 related CREBBP activator protein; plus strand). Cytogenetic location: 16p11.2.
Variant type: single nucleotide variant.
Coding change: c.4001C>T on transcript NM_006662.3 (MANE Select); coding-DNA position 4001, C replaced by T.
Protein change: p.Pro1334Leu; replaces proline 1334 with leucine.
Molecular consequence: missense variant.
Genome position (GRCh38, 1-based): chr16:30,723,071, C>T. VCF-style: chr16-30723071-C-T. GRCh37 (hg19) VCF-style: chr16-30734392-C-T.
Other names: c.4001C>T (NM_006662.2); short protein forms P1334L.
Identifiers: ClinVar variation 1374774 (VCV001374774.10), dbSNP rs560375220, ClinGen allele CA8011641.